The following is an entry in ClinVar:

NM_002878.4(RAD51D):c.573G>A (p.Gln191=)

Genes: RAD51D (RAD51 paralog D; minus strand), RAD51L3-RFFL (RAD51L3-RFFL readthrough; minus strand). Cytogenetic location: 17q12.
Variant type: single nucleotide variant.
Coding change: c.573G>A on transcript NM_002878.4 (MANE Select); coding-DNA position 573, G replaced by A.
Protein change: p.Gln191=; no amino-acid change (glutamine 191 retained).
Molecular consequence: synonymous variant. On other transcripts: non-coding transcript variant (3).
Genome position (GRCh38, 1-based): chr17:35,106,389, C>T on the plus strand (G>A on the coding strand, the complement: RAD51D is on the minus strand). VCF-style: chr17-35106389-C-T. GRCh37 (hg19) VCF-style: chr17-33433408-C-T.
Other names: c.633G>A, p.Gln211= (NM_001142571.2); c.237G>A, p.Gln79= (NM_133629.3).
Identifiers: ClinVar variation 794648 (VCV000794648.15), dbSNP rs1597861626, ClinGen allele CA499731558.

ClinVar aggregate classification (germline): Conflicting classifications of pathogenicity. Review status: criteria provided, conflicting classifications (1 of 4 stars). 5 submissions from 5 submitters: Uncertain significance (2); Benign (1); Likely benign (2). Last evaluated 2025-05-18.

Conditions:
Breast-ovarian cancer, familial, susceptibility to, 4. Identifiers: Orphanet 145, MedGen C3280345, MONDO:0013669, OMIM 614291.
Hereditary cancer-predisposing syndrome. Also called: Neoplastic Syndromes, Hereditary; Hereditary neoplastic syndrome; Tumor predisposition; Hereditary Cancer Syndrome. Identifiers: Orphanet 140162, MedGen C0027672, MeSH D009386, MONDO:0015356.
Hereditary breast ovarian cancer syndrome. Also called: BRCA1- and BRCA2-Associated Hereditary Breast and Ovarian Cancer; Hereditary breast and ovarian cancer syndrome; Hereditary breast and ovarian cancer syndrome (HBOC); Breast and ovarian cancer; Hereditary breast and/or ovarian cancer syndrome; Hereditary breast and ovarian cancer. Identifiers: Orphanet 145, MedGen C0677776, MeSH D061325, MONDO:0003582. Disease mechanism: loss of function.

Allele frequency attached by ClinVar (database versions not stated): gnomAD exomes 0.00001; TOPMed 0.00001.
gnomAD v4.1: 10 of 1,612,902 alleles (0.00062%); highest among the groups gnomAD compares: Non-Finnish European, 0.00085%; no homozygotes.

Submissions (5):

Labcorp Genetics (formerly Invitae), Labcorp
Classification: Likely benign for Breast-ovarian cancer, familial, susceptibility to, 4. Last evaluated: 2025-05-18. Review status: criteria provided, single submitter. Criteria: Invitae Variant Classification Sherloc (09022015). Collection method: clinical testing. Allele origin: germline.

Myriad Genetics, Inc.
Classification: Benign for Breast-ovarian cancer, familial, susceptibility to, 4. Last evaluated: 2025-02-24. Review status: criteria provided, single submitter. Criteria: Myriad Autosomal Dominant, Autosomal Recessive and X-Linked Classification Criteria (2023). Collection method: clinical testing. Allele origin: unknown.
Comment: This variant is considered benign. This variant is a silent/synonymous amino acid change and it is not expected to impact splicing.

Ambry Genetics
Classification: Likely benign for Hereditary cancer-predisposing syndrome. Last evaluated: 2023-06-21. Review status: criteria provided, single submitter. Criteria: Ambry Variant Classification Scheme 2023. Collection method: clinical testing. Allele origin: germline.

Department of Pathology and Laboratory Medicine, Sinai Health System
Classification: Uncertain significance for Hereditary breast ovarian cancer syndrome. Last evaluated: 2022-05-12. Review status: criteria provided, single submitter. Criteria: ACMG Guidelines, 2015. Collection method: clinical testing. Allele origin: germline. Affected: yes.

Quest Diagnostics Nichols Institute San Juan Capistrano
Classification: Uncertain significance. Last evaluated: 2019-03-12. Review status: criteria provided, single submitter. Criteria: Quest Diagnostics criteria. Collection method: clinical testing. Allele origin: germline.